The following is an entry in ClinVar:

ClinVar aggregate classification (germline): Uncertain significance (1 of 4 stars; one submission).

Conditions:
Severe combined immunodeficiency due to LCK deficiency. Also called: Immunodeficiency 22. Identifiers: Orphanet 280142, MedGen C4014233, MONDO:0014334, OMIM 615758.

Submission:

3billion
Classification: Uncertain significance for Severe combined immunodeficiency due to LCK deficiency. Last evaluated: 2023-02-23. Review status: criteria provided, single submitter. Criteria: ACMG Guidelines, 2015. Collection method: clinical testing. Allele origin: unknown. Affected: yes.
Comment: The variant is not observed in the gnomAD v2.1.1 dataset. Missense changes are a common disease-causing mechanism. Therefore, this variant is classified as VUS according to the recommendation of ACMG/AMP guideline.

NM_005356.5(LCK):c.734T>A (p.Leu245Gln)

Gene: LCK (LCK proto-oncogene, Src family tyrosine kinase; plus strand). Cytogenetic location: 1p35.2.
Variant type: single nucleotide variant.
Coding change: c.734T>A on transcript NM_005356.5 (MANE Select); coding-DNA position 734, T replaced by A.
Protein change: p.Leu245Gln; replaces leucine 245 with glutamine.
Molecular consequence: missense variant. On other transcripts: intron variant (1).
Genome position (GRCh38, 1-based): chr1:32,276,439, T>A. VCF-style: chr1-32276439-T-A. GRCh37 (hg19) VCF-style: chr1-32742040-T-A.
Other names: c.734T>A, p.Leu245Gln (NM_001042771.3); c.632-168T>A (NM_001330468.2); short protein forms L245Q.
Identifiers: ClinVar variation 2444204 (VCV002444204.1), dbSNP rs2521665604, ClinGen allele CA339639112.